The following is an entry in ClinVar:

NM_001001331.4(ATP2B2):c.3420+2037_3420+2039del

Gene: ATP2B2 (ATPase plasma membrane Ca2+ transporting 2; minus strand). Cytogenetic location: 3p25.3.
Variant type: Microsatellite.
Coding change: c.3420+2037_3420+2039del on transcript NM_001001331.4 (MANE Select); bases 2037 to 2039 of the intron after coding-DNA position 3420, 3 bases deleted (TGC; older notation c.3420+2037_3420+2039delTGC).
Molecular consequence: intron variant. On other transcripts: inframe deletion (3).
Genome position (GRCh38, 1-based): chr3:10,336,137-10,336,139, GCA deleted on the plus strand (TGC on the coding strand, the reverse complement: ATP2B2 is on the minus strand); deleting any 3 consecutive bases within chr3:10,336,137-10,336,143 gives the same sequence; the c. name uses the placement nearest the transcript's 3' end. VCF-style (leftmost placement, unchanged base first): chr3-10336136-TGCA-T. GRCh37 (hg19) VCF-style: chr3-10377820-TGCA-T.
Other names: c.3444TGC[1], p.Ala1151del (NM_001330611.3, NM_001363862.1); c.3285+2037_3285+2039del (NM_001438036.1, NM_001353564.1, NM_001683.5); c.3327+2037_3327+2039del (NM_001438646.1); c.3447_3449delTGC (NM_001363862.1); short protein forms A1151del.
Identifiers: ClinVar variation 4979670 (VCV004979670.1).

ClinVar aggregate classification (germline): Uncertain significance (1 of 4 stars; one submission).

Conditions:
ATP2B2-related disorder. Also called: ATP2B2-related condition.

Submission:

PreventionGenetics, part of Exact Sciences
Classification: Uncertain significance for ATP2B2-related condition. Last evaluated: 2025-11-28. Review status: criteria provided, single submitter. Criteria: ACMG Guidelines, 2015. Collection method: clinical testing. Allele origin: germline.
Comment: The ATP2B2 c.3447_3449delTGC variant is predicted to result in an in-frame deletion (p.Ala1151del). To our knowledge, this variant has not been reported in the literature. This variant is reported in 0.0071% of alleles in individuals of European (Non-Finnish) descent in gnomAD. At this time, the clinical significance of this variant is uncertain due to the absence of conclusive functional and genetic evidence.